The following is an entry in ClinVar:

ClinVar aggregate classification (germline): Uncertain significance (1 of 4 stars; one submission).

gnomAD v4.1: 5 of 1,614,152 alleles (0.00031%); highest among the groups gnomAD compares: East Asian, 0.0089%; no homozygotes.

Submission:

GeneDx
Classification: Uncertain significance. Last evaluated: 2025-05-14. Review status: criteria provided, single submitter. Criteria: GeneDx Variant Classification Process June 2021. Collection method: clinical testing. Allele origin: germline. Affected: yes.
Comment: Not observed at significant frequency in large population cohorts (gnomAD); In silico analysis supports that this missense variant has a deleterious effect on protein structure/function; Has not been previously published as pathogenic or benign to our knowledge

NM_015338.6(ASXL1):c.512G>A (p.Arg171Gln)

Gene: ASXL1 (ASXL transcriptional regulator 1; plus strand). Cytogenetic location: 20q11.21.
Variant type: single nucleotide variant.
Coding change: c.512G>A on transcript NM_015338.6 (MANE Select); coding-DNA position 512, G replaced by A.
Protein change: p.Arg171Gln; replaces arginine 171 with glutamine.
Molecular consequence: missense variant.
Genome position (GRCh38, 1-based): chr20:32,429,378, G>A. VCF-style: chr20-32429378-G-A. GRCh37 (hg19) VCF-style: chr20-31017181-G-A.
Other names: c.482G>A, p.Arg161Gln (NM_001363734.1); short protein forms R161Q, R171Q.
Identifiers: ClinVar variation 4529676 (VCV004529676.1).
Genomic context (GRCh38, chr20:32,429,378, plus strand): 5'-TGTTCTCTCTTGGAACGCAGGCGAACAAACAAAAGAAAAAGACTGGGGTGATGCTGCCTC[G>A]AGTTGTCCTGACTCCTCTGAAGGTAAACGGGGCCCACGTGGAATCTGCATCAGGTATGTG-3'
Protein context (NP_056153.2, residues 161-181): QKKKTGVMLP[Arg171Gln]VVLTPLKVNG